The following is an entry in ClinVar:

NM_003579.4(RAD54L):c.1511T>C (p.Ile504Thr)

Gene: RAD54L (RAD54 like; plus strand). Cytogenetic location: 1p34.1.
Variant type: single nucleotide variant.
Coding change: c.1511T>C on transcript NM_003579.4 (MANE Select); coding-DNA position 1511, T replaced by C.
Protein change: p.Ile504Thr; replaces isoleucine 504 with threonine.
Molecular consequence: missense variant.
Genome position (GRCh38, 1-based): chr1:46,273,648, T>C. VCF-style: chr1-46273648-T-C. GRCh37 (hg19) VCF-style: chr1-46739320-T-C.
Other names: c.1511T>C (NM_003579.3); c.1511T>C, p.Ile504Thr (NM_001142548.2); c.971T>C, p.Ile324Thr (NM_001370766.1); short protein forms I324T, I504T.
Identifiers: ClinVar variation 3731539 (VCV003731539.2).
Genomic context (GRCh38, chr1:46,273,648, plus strand): 5'-AGCCAGTAGGGGACTGCTGGTTGCTGCTCTTCCCAGGTAAGATGCTGGTCCTGGATTATA[T>C]TCTGGCGGTGACCCGAAGCCGTAGCAGTGACAAAGTAGTGCTGGTGTCGAATTACACCCA-3'
Protein context (NP_003570.2, residues 494-514): LSGKMLVLDY[Ile504Thr]LAVTRSRSSD

ClinVar aggregate classification (germline): Conflicting classifications of pathogenicity. Review status: criteria provided, conflicting classifications (1 of 4 stars). 2 submissions from 2 submitters: Uncertain significance (1); Likely benign (1). Last evaluated 2025-08-06.

Conditions:
Familial cancer of breast. Also called: Hereditary breast cancer; hereditary breast carcinoma; BREAST CANCER, FAMILIAL. Identifiers: Orphanet 227535, MedGen C0346153, MONDO:0016419, OMIM 114480. Disease mechanism: loss of function.

gnomAD v4.1: 42 of 1,613,918 alleles (0.0026%); highest among the groups gnomAD compares: South Asian, 0.044%; no homozygotes.

Submissions (2):

Ambry Genetics
Classification: Likely benign. Last evaluated: 2025-08-06. Review status: criteria provided, single submitter. Criteria: Ambry Variant Classification Scheme 2023. Collection method: clinical testing. Allele origin: germline.

Neuberg Centre For Genomic Medicine, NCGM
Classification: Uncertain significance for Familial cancer of breast. Last evaluated: 2023-06-22. Review status: criteria provided, single submitter. Criteria: ACMG Guidelines, 2015. Collection method: clinical testing. Allele origin: germline. Inheritance: Autosomal dominant inheritance. Affected: yes.
Comment: The missense c.1511T>C (p.Ile504Thr) variant in RAD54L gene has been reported previously in an individual affected with breast cancer (Mittal et al., 2022). The p.Ile504Thr variant is present with allele frequency of 0.004% in gnomAD Exomes. This variant has not been submitted to the ClinVar database. Multiple lines of computational evidence (Polyphen - Probably Damaging, SIFT - Damaging and MutationTaster - Disease causing) predict a damaging effect on protein structure and function for this variant. The reference amino acid at this position in RAD54L is predicted as conserved by GERP++ and PhyloP across 100 vertebrates. The amino acid Ile at position 504 is changed to a Thr changing protein sequence and it might alter its composition and physico-chemical properties. Additional functional studies will be required to prove the pathogenicity of this variant. For these reasons, this variant has been classified as a Variant of Uncertain Significance (VUS).